The following is an entry in ClinVar:

ClinVar aggregate classification (germline): Uncertain significance (1 of 4 stars; one submission).

Conditions:
Autoimmune lymphoproliferative syndrome type 1. Also called: AUTOIMMUNE LYMPHOPROLIFERATIVE SYNDROME, TYPE I, AUTOSOMAL DOMINANT. Identifiers: Orphanet 3261, MedGen C2717884, MONDO:0011158, OMIM 601859.

Allele frequency attached by ClinVar (database versions not stated): gnomAD exomes below 0.00001 and 0.00001; ExAC 0.00001; gnomAD 0.00001.
gnomAD v4.1: 7 of 1,613,876 alleles (0.00043%); highest among the groups gnomAD compares: Admixed American, 0.0017%; no homozygotes.

Submission:

Labcorp Genetics (formerly Invitae), Labcorp
Classification: Uncertain significance for Autoimmune lymphoproliferative syndrome. Last evaluated: 2025-01-17. Review status: criteria provided, single submitter. Criteria: Invitae Variant Classification Sherloc (09022015). Collection method: clinical testing. Allele origin: germline.
Comment: This sequence change replaces glycine, which is neutral and non-polar, with glutamic acid, which is acidic and polar, at codon 175 of the FAS protein (p.Gly175Glu). This variant is present in population databases (rs752208395, gnomAD 0.003%). This variant has not been reported in the literature in individuals affected with FAS-related conditions. ClinVar contains an entry for this variant (Variation ID: 1019777). Invitae Evidence Modeling of protein sequence and biophysical properties (such as structural, functional, and spatial information, amino acid conservation, physicochemical variation, residue mobility, and thermodynamic stability) has been performed for this missense variant. However, the output from this modeling did not meet the statistical confidence thresholds required to predict the impact of this variant on FAS protein function. In summary, the available evidence is currently insufficient to determine the role of this variant in disease. Therefore, it has been classified as a Variant of Uncertain Significance.

NM_000043.6(FAS):c.524G>A (p.Gly175Glu)

Gene: FAS (Fas cell surface death receptor; plus strand). Cytogenetic location: 10q23.31.
Variant type: single nucleotide variant.
Coding change: c.524G>A on transcript NM_000043.6 (MANE Select); coding-DNA position 524, G replaced by A.
Protein change: p.Gly175Glu; replaces glycine 175 with glutamic acid.
Molecular consequence: missense variant. On other transcripts: non-coding transcript variant (5), intron variant (1).
Genome position (GRCh38, 1-based): chr10:89,010,771, G>A. VCF-style: chr10-89010771-G-A. GRCh37 (hg19) VCF-style: chr10-90770528-G-A.
Other names: c.505+171G>A (NM_152871.4); c.524G>A, p.Gly175Glu (NM_001320619.2, NM_152872.4); short protein forms G175E.
Identifiers: ClinVar variation 1019777 (VCV001019777.8), dbSNP rs752208395, ClinGen allele CA5593148.
Genomic context (GRCh38, chr10:89,010,771, plus strand): 5'-TTGCTTATTTTCATATAAAATGTCCAATGTTCCAACCTACAGGATCCAGATCTAACTTGG[G>A]GTGGCTTTGTCTTCTTCTTTTGCCAATTCCACTAATTGTTTGGGGTAAGTTCTTGCTTTG-3'
Protein context (NP_000034.1, residues 165-185): CKEEGSRSNL[Gly175Glu]WLCLLLLPIP